The following is an entry in ClinVar:

ClinVar aggregate classification (germline): Uncertain significance (1 of 4 stars; one submission).

Conditions:
EGFR-related lung cancer (EGFR). Identifiers: MedGen CN130014.

Submission:

Labcorp Genetics (formerly Invitae), Labcorp
Classification: Uncertain significance for EGFR-related lung cancer. Last evaluated: 2025-07-27. Review status: criteria provided, single submitter. Criteria: Invitae Variant Classification Sherloc (09022015). Collection method: clinical testing. Allele origin: germline.
Comment: This sequence change replaces proline, which is neutral and non-polar, with leucine, which is neutral and non-polar, at codon 512 of the EGFR protein (p.Pro512Leu). This variant is not present in population databases (gnomAD no frequency). This variant has not been reported in the literature in individuals affected with EGFR-related conditions. Invitae Evidence Modeling of protein sequence and biophysical properties (such as structural, functional, and spatial information, amino acid conservation, physicochemical variation, residue mobility, and thermodynamic stability) indicates that this missense variant is not expected to disrupt EGFR protein function with a negative predictive value of 80%. In summary, the available evidence is currently insufficient to determine the role of this variant in disease. Therefore, it has been classified as a Variant of Uncertain Significance.

NM_005228.5(EGFR):c.1535C>T (p.Pro512Leu)

Gene: EGFR (epidermal growth factor receptor; plus strand). Cytogenetic location: 7p11.2.
Variant type: single nucleotide variant.
Coding change: c.1535C>T on transcript NM_005228.5 (MANE Select); coding-DNA position 1535, C replaced by T.
Protein change: p.Pro512Leu; replaces proline 512 with leucine.
Molecular consequence: missense variant.
Genome position (GRCh38, 1-based): chr7:55,161,535, C>T. VCF-style: chr7-55161535-C-T. GRCh37 (hg19) VCF-style: chr7-55229228-C-T.
Other names: c.1400C>T, p.Pro467Leu (NM_001346897.2, NM_001346899.2); c.1535C>T, p.Pro512Leu (NM_001346898.2, NM_201282.2, NM_201284.2); c.1376C>T, p.Pro459Leu (NM_001346900.2); c.734C>T, p.Pro245Leu (NM_001346941.2); short protein forms P467L, P245L, P459L, P512L.
Identifiers: ClinVar variation 4749992 (VCV004749992.1).